The following is an entry in ClinVar:

ClinVar aggregate classification (germline): Uncertain significance. Review status: criteria provided, multiple submitters, no conflicts (2 of 4 stars). 2 submissions from 2 submitters: Uncertain significance (2). Last evaluated 2024-09-18.

Conditions:
Dystonic disorder. Also called: Dystonia. Identifiers: MedGen C0013421, MONDO:0003441, HP:0001332.

Allele frequency attached by ClinVar (database versions not stated): gnomAD 0.00001 and 0.00002; gnomAD exomes 0.00002 and 0.00003; ExAC 0.00003; TOPMed 0.00003; ESP Exome Variant Server 0.00015.
gnomAD v4.1: 38 of 1,611,122 alleles (0.0024%); highest among the groups gnomAD compares: East Asian, 0.029%; no homozygotes.

Submissions (2):

Ambry Genetics
Classification: Uncertain significance. Last evaluated: 2024-09-18. Review status: criteria provided, single submitter. Criteria: Ambry Variant Classification Scheme 2023. Collection method: clinical testing. Allele origin: germline.

Labcorp Genetics (formerly Invitae), Labcorp
Classification: Uncertain significance for Dystonic disorder. Last evaluated: 2022-08-15. Review status: criteria provided, single submitter. Criteria: Invitae Variant Classification Sherloc (09022015). Collection method: clinical testing. Allele origin: germline.
Comment: In summary, the available evidence is currently insufficient to determine the role of this variant in disease. Therefore, it has been classified as a Variant of Uncertain Significance. Algorithms developed to predict the effect of missense changes on protein structure and function (SIFT, PolyPhen-2, Align-GVGD) all suggest that this variant is likely to be tolerated. ClinVar contains an entry for this variant (Variation ID: 1046844). This variant has not been reported in the literature in individuals affected with DRD2-related conditions. This variant is present in population databases (rs200184730, gnomAD 0.01%). This sequence change replaces arginine, which is basic and polar, with glutamine, which is neutral and polar, at codon 274 of the DRD2 protein (p.Arg274Gln).

NM_000795.4(DRD2):c.821G>A (p.Arg274Gln)

Gene: DRD2 (dopamine receptor D2; minus strand). Cytogenetic location: 11q23.2.
Variant type: single nucleotide variant.
Coding change: c.821G>A on transcript NM_000795.4 (MANE Select); coding-DNA position 821, G replaced by A.
Protein change: p.Arg274Gln; replaces arginine 274 with glutamine.
Molecular consequence: missense variant.
Genome position (GRCh38, 1-based): chr11:113,412,873, C>T on the plus strand (G>A on the coding strand, the complement: DRD2 is on the minus strand). VCF-style: chr11-113412873-C-T. GRCh37 (hg19) VCF-style: chr11-113283595-C-T.
Other names: c.734G>A, p.Arg245Gln (NM_016574.4); c.821G>A (NM_000795.3); short protein forms R245Q, R274Q.
Identifiers: ClinVar variation 1046844 (VCV001046844.11), dbSNP rs200184730, ClinGen allele CA6281250.